The following is an entry in ClinVar:

NM_003458.4(BSN):c.7087G>A (p.Glu2363Lys)

Gene: BSN (bassoon presynaptic cytomatrix protein; plus strand). Cytogenetic location: 3p21.31.
Variant type: single nucleotide variant.
Coding change: c.7087G>A on transcript NM_003458.4 (MANE Select); coding-DNA position 7087, G replaced by A.
Protein change: p.Glu2363Lys; replaces glutamic acid 2363 with lysine.
Molecular consequence: missense variant.
Genome position (GRCh38, 1-based): chr3:49,656,643, G>A. VCF-style: chr3-49656643-G-A. GRCh37 (hg19) VCF-style: chr3-49694076-G-A.
Other names: short protein forms E2363K.
Identifiers: ClinVar variation 3900259 (VCV003900259.1).

ClinVar aggregate classification (germline): Uncertain significance (1 of 4 stars; one submission).

gnomAD v4.1: 6 of 1,609,402 alleles (0.00037%); highest among the groups gnomAD compares: Non-Finnish European, 0.00051%; no homozygotes.

Submission:

GeneDx
Classification: Uncertain significance. Last evaluated: 2024-01-30. Review status: criteria provided, single submitter. Criteria: GeneDx Variant Classification Process June 2021. Collection method: clinical testing. Allele origin: germline. Affected: yes.
Comment: Has not been previously published as pathogenic or benign to our knowledge; Not observed at significant frequency in large population cohorts (gnomAD); In silico analysis supports that this missense variant does not alter protein structure/function; Variants in candidate genes are classified as variants of uncertain significance in accordance with ACMG guidelines (Richards et al., 2015)